The following is an entry in ClinVar:

NM_004820.5(CYP7B1):c.757A>G (p.Lys253Glu)

Gene: CYP7B1 (cytochrome P450 family 7 subfamily B member 1; minus strand). Cytogenetic location: 8q12.3.
Variant type: single nucleotide variant.
Coding change: c.757A>G on transcript NM_004820.5 (MANE Select); coding-DNA position 757, A replaced by G.
Protein change: p.Lys253Glu; replaces lysine 253 with glutamic acid.
Molecular consequence: missense variant.
Genome position (GRCh38, 1-based): chr8:64,615,784, T>C on the plus strand (A>G on the coding strand, the complement: CYP7B1 is on the minus strand). VCF-style: chr8-64615784-T-C. GRCh37 (hg19) VCF-style: chr8-65528341-T-C.
Other names: p.Lys253Glu; c.757A>G, p.Lys253Glu (NM_001324112.2); c.757A>G (NM_004820.4); short protein forms K253E.
Identifiers: ClinVar variation 910256 (VCV000910256.16), dbSNP rs200328073, ClinGen allele CA4764158.

ClinVar aggregate classification (germline): Conflicting classifications of pathogenicity. Review status: criteria provided, conflicting classifications (1 of 4 stars). 6 submissions from 6 submitters: Uncertain significance (3); Likely benign (3). Last evaluated 2026-01-21.

Conditions:
Inborn genetic diseases. Identifiers: MedGen C0950123, MeSH D030342.
CYP7B1-related disorder. Also called: CYP7B1-related condition.
Spastic paraplegia. Identifiers: MedGen C0037772, HP:0001258.
Hereditary spastic paraplegia 5A (SPG5A). Also called: SPASTIC PARAPLEGIA 5A, AUTOSOMAL RECESSIVE. Identifiers: Orphanet 100986, MedGen C1849115, MONDO:0010047, OMIM 270800.

Allele frequency attached by ClinVar (database versions not stated): ExAC 0.00007; gnomAD exomes 0.00008 and 0.00015; TOPMed 0.00008; gnomAD 0.00009.
gnomAD v4.1: 134 of 1,613,728 alleles (0.0083%); highest among the groups gnomAD compares: East Asian, 0.0045%; no homozygotes.

Submissions (6):

Labcorp Genetics (formerly Invitae), Labcorp
Classification: Likely benign for Spastic paraplegia. Last evaluated: 2026-01-21. Review status: criteria provided, single submitter. Criteria: Invitae Variant Classification Sherloc (09022015). Collection method: clinical testing. Allele origin: germline.

PreventionGenetics, part of Exact Sciences
Classification: Likely benign for CYP7B1-related condition. Last evaluated: 2025-02-05. Review status: criteria provided, single submitter. Criteria: ACMG Guidelines, 2015. Collection method: clinical testing. Allele origin: germline.
Comment: This variant is classified as likely benign based on ACMG/AMP sequence variant interpretation guidelines (Richards et al. 2015 PMID: 25741868, with internal and published modifications).

Mayo Clinic Laboratories, Mayo Clinic
Classification: Likely benign. Last evaluated: 2024-12-05. Review status: criteria provided, single submitter. Criteria: ACMG Guidelines, 2015. Collection method: clinical testing. Allele origin: germline. Observed: 1 variant allele.
Comment: BS1, BP4_moderate

Athena Diagnostics
Classification: Uncertain significance. Last evaluated: 2023-06-14. Review status: criteria provided, single submitter. Criteria: Athena Diagnostics Criteria. Collection method: clinical testing. Allele origin: unknown.
Comment: Available data are insufficient to determine the clinical significance of the variant at this time. The frequency of this variant in the general population is higher than would generally be expected for pathogenic variants in this gene. Computational tools predict that this variant is not damaging.

Ambry Genetics
Classification: Uncertain significance for Inborn genetic diseases. Last evaluated: 2023-02-02. Review status: criteria provided, single submitter. Criteria: Ambry Variant Classification Scheme 2023. Collection method: clinical testing. Allele origin: germline.

Illumina Laboratory Services, Illumina
Classification: Uncertain significance for Hereditary spastic paraplegia 5A. Last evaluated: 2018-01-12. Review status: criteria provided, single submitter. Criteria: ICSL Variant Classification Criteria 13 December 2019. Collection method: clinical testing. Allele origin: germline.